The following is an entry in ClinVar:

NM_004963.4(GUCY2C):c.1727C>A (p.Thr576Lys)

Gene: GUCY2C (guanylate cyclase 2C; minus strand). Cytogenetic location: 12p12.3.
Variant type: single nucleotide variant.
Coding change: c.1727C>A on transcript NM_004963.4 (MANE Select); coding-DNA position 1727, C replaced by A.
Protein change: p.Thr576Lys; replaces threonine 576 with lysine.
Molecular consequence: missense variant.
Genome position (GRCh38, 1-based): chr12:14,645,299, G>T on the plus strand (C>A on the coding strand, the complement: GUCY2C is on the minus strand). VCF-style: chr12-14645299-G-T. GRCh37 (hg19) VCF-style: chr12-14798233-G-T.
Other names: short protein forms T576K.
Identifiers: ClinVar variation 2978319 (VCV002978319.3), dbSNP rs2497693832, ClinGen allele CA383987033.

ClinVar aggregate classification (germline): Uncertain significance (1 of 4 stars; one submission).

Allele frequency attached by ClinVar (database versions not stated): gnomAD exomes below 0.00001.
gnomAD v4.1: 1 of 1,584,924 alleles (0.000063%); highest among the groups gnomAD compares: Non-Finnish European, 0.000087%; no homozygotes.

Submission:

Labcorp Genetics (formerly Invitae), Labcorp
Classification: Uncertain significance. Last evaluated: 2023-03-18. Review status: criteria provided, single submitter. Criteria: Invitae Variant Classification Sherloc (09022015). Collection method: clinical testing. Allele origin: germline.
Comment: In summary, the available evidence is currently insufficient to determine the role of this variant in disease. Therefore, it has been classified as a Variant of Uncertain Significance. An algorithm developed to predict the effect of missense changes on protein structure and function (PolyPhen-2) suggests that this variant is likely to be tolerated. This variant has not been reported in the literature in individuals affected with GUCY2C-related conditions. This variant is not present in population databases (gnomAD no frequency). This sequence change replaces threonine, which is neutral and polar, with lysine, which is basic and polar, at codon 576 of the GUCY2C protein (p.Thr576Lys).